The following continues an entry in ClinVar:

NM_000402.4(G6PD):c.653C>T (p.Ser218Phe)

Gene: G6PD. ClinVar aggregate classification (germline): Pathogenic/Likely pathogenic. Pathogenic (50); Likely pathogenic (7).

Submissions 57 to 71 of 71:

Lifecell International Pvt. Ltd
Classification: Pathogenic for Anemia, nonspherocytic hemolytic, due to G6PD deficiency. Review status: criteria provided, single submitter. Criteria: ACMG Guidelines 2015. Collection method: clinical testing. Allele origin: germline. Inheritance: X-linked recessive inheritance. Affected: yes. Observed: 1 hemizygote.
Comment: This variant in exon 6 of the G6PD gene results in the amino acid substitution from Serine to Phenylalanine at codon 188 (p.Ser188Phe) with the sequence change of c.653C>T (NM_000402.4). This variant is likely to impact secondary protein structure as these residues differ in polarity, charge, size and/or other properties. The reference base is conserved across the species and in-silico predictions by Polyphen and SIFT are damaging. This variant has previously been reported for Anemia, Nonspherocytic Hemolytic, Due to G6pd Deficiency by T J Vulliamy et al., 1988. The Missense Variants Z-Score for this variant is 2.60. Missense Variants Z-Score is produced by the Exome Aggregation Consortium (60,706 adult humans) by computing a signed Z score for the deviation of observed counts from the expected number. Positive Z scores indicate increased constraint (intolerance to variation) and therefore that the gene had fewer missense variants than expected. This variant has been reported six individuals in homozygous condition, in 109 individuals in hemizygous condition and 25 individuals in heterozygous conditions. (Hellani et al. 2009; PMID: 19594365), (Moiz et al. 2012; PMID: 22906047), (Santana et al. 2013; PMID: 23479361), (Molou et al. 2014; PMID: 24460025) and (Jamornthanyawat et al. 2014; PMID: 24586352).

Zotz-Klimas Genetics Lab, MVZ Zotz Klimas
Classification: Pathogenic for Anemia, nonspherocytic hemolytic, due to G6PD deficiency. Last evaluated: 2023-11-02. Review status: no assertion criteria provided. Collection method: clinical testing. Allele origin: germline. Affected: yes. Not counted in ClinVar's aggregate classification.

Clinical Genetics Laboratory, University Hospital Schleswig-Holstein
Classification: Pathogenic for Malaria, susceptibility to. Last evaluated: 2021-03-16. Review status: no assertion criteria provided. Collection method: clinical testing. Allele origin: germline. Affected: yes. Not counted in ClinVar's aggregate classification.

Biochemical Molecular Genetic Laboratory, King Abdulaziz Medical City
Classification: Pathogenic for Anemia, nonspherocytic hemolytic, due to G6PD deficiency. Last evaluated: 2018-07-14. Review status: no assertion criteria provided. Collection method: clinical testing. Allele origin: germline. Affected: yes. Not counted in ClinVar's aggregate classification.

OMIM
Classification: other for G6PD MEDITERRANEAN. Last evaluated: 2018-05-11. Review status: no assertion criteria provided. Collection method: literature only. Allele origin: germline. Not counted in ClinVar's aggregate classification.

OMIM
Classification: other for G6PD SASSARI. Last evaluated: 2018-05-11. Review status: no assertion criteria provided. Collection method: literature only. Allele origin: germline. Not counted in ClinVar's aggregate classification.

OMIM
Classification: other for G6PD CAGLIARI. Last evaluated: 2018-05-11. Review status: no assertion criteria provided. Collection method: literature only. Allele origin: germline. Not counted in ClinVar's aggregate classification.

Department of Genetics, Sultan Qaboos University Hospital
Classification: Pathogenic for Anemia, nonspherocytic hemolytic, due to G6PD deficiency. Last evaluated: 2017-12-30. Review status: no assertion criteria provided. Collection method: curation. Allele origin: unknown. Affected: yes. Not counted in ClinVar's aggregate classification.

Division of Human Genetics, Children's Hospital of Philadelphia
Classification: Pathogenic for Malaria, susceptibility to; Anemia, nonspherocytic hemolytic, due to G6PD deficiency. Last evaluated: 2016-05-31. Review status: no assertion criteria provided. Collection method: research. Allele origin: paternal. Study: CSER-PediSeq. Not counted in ClinVar's aggregate classification.

Counsyl
Classification: Pathogenic for Anemia, nonspherocytic hemolytic, due to G6PD deficiency. Last evaluated: 2015-06-06. Review status: no assertion criteria provided. Collection method: clinical testing. Allele origin: unknown. Not counted in ClinVar's aggregate classification.

Clinical Genetics DNA and cytogenetics Diagnostics Lab, Erasmus MC, Erasmus Medical Center
Classification: Pathogenic. Review status: no assertion criteria provided. Collection method: clinical testing. Allele origin: germline. Affected: yes. Study: VKGL Data-share Consensus. Not counted in ClinVar's aggregate classification.

Diagnostic Laboratory, Department of Genetics, University Medical Center Groningen
Classification: Pathogenic. Review status: no assertion criteria provided. Collection method: clinical testing. Allele origin: germline. Affected: yes. Study: VKGL Data-share Consensus. Not counted in ClinVar's aggregate classification.

FirmaLab
Classification: Pathogenic for G6PD deficiency. Review status: no assertion criteria provided. Collection method: clinical testing. Allele origin: germline. Not counted in ClinVar's aggregate classification.

Genome Diagnostics Laboratory, Amsterdam University Medical Center
Classification: Pathogenic. Review status: no assertion criteria provided. Collection method: clinical testing. Allele origin: germline. Affected: yes. Study: VKGL Data-share Consensus. Not counted in ClinVar's aggregate classification.

Genome Diagnostics Laboratory, University Medical Center Utrecht
Classification: Pathogenic. Review status: no assertion criteria provided. Collection method: clinical testing. Allele origin: germline. Affected: yes. Study: VKGL Data-share Consensus. Not counted in ClinVar's aggregate classification.

Literature cited by the submitters: PubMed 19594365 (cited by 3 submitters); PubMed 22906047 (cited by 9 submitters); PubMed 23479361 (cited by 3 submitters); PubMed 24460025 (cited by 6 submitters); PubMed 24586352 (cited by 7 submitters); PubMed 3393536 (cited by 14 submitters); PubMed 1978554 (cited by Labcorp Genetics (formerly Invitae), Labcorp and Ambry Genetics); PubMed 8611726 (cited by Labcorp Genetics (formerly Invitae), Labcorp and Dunham Lab, University of Washington); PubMed 15315792 (cited by 3 submitters); PubMed 16119988 (cited by Labcorp Genetics (formerly Invitae), Labcorp); PubMed 22018328 (cited by Labcorp Genetics (formerly Invitae), Labcorp and Dunham Lab, University of Washington); PubMed 2912069 (cited by Ambry Genetics and Dunham Lab, University of Washington); PubMed 12768444 (cited by 3 submitters); PubMed 35306802 (cited by Ambry Genetics); PubMed 33072997 (cited by Center for Genomic Medicine, Rigshospitalet, Copenhagen University Hospital and Dunham Lab, University of Washington); PubMed 33636823 (cited by Center for Genomic Medicine, Rigshospitalet, Copenhagen University Hospital and Dunham Lab, University of Washington); PubMed 1978555 (cited by 4 submitters); PubMed 22293322 (cited by Mayo Clinic Laboratories, Mayo Clinic); PubMed 9342374 (cited by 3 submitters); DOI 10.1016/j.bcmd.2021.102587 (cited by Department of Genetics and Molecular Biology, Isfahan University of Medical Sciences); PubMed 27980749 (cited by Johns Hopkins Genomics, Johns Hopkins University); PubMed 31061745 (cited by Johns Hopkins Genomics, Johns Hopkins University); PubMed 7211845 (cited by Johns Hopkins Genomics, Johns Hopkins University and Victorian Clinical Genetics Services, Murdoch Childrens Research Institute); PubMed 36703223 (cited by Women's Health and Genetics/Laboratory Corporation of America, LabCorp); PubMed 35753512 (cited by Women's Health and Genetics/Laboratory Corporation of America, LabCorp); PubMed 27853304 (cited by Victorian Clinical Genetics Services, Murdoch Childrens Research Institute and Dunham Lab, University of Washington); PubMed 5641629 (cited by Dunham Lab, University of Washington); PubMed 8370579 (cited by Dunham Lab, University of Washington); PubMed 12497642 (cited by Dunham Lab, University of Washington); PubMed 10782016 (cited by Dunham Lab, University of Washington); PubMed 9017974 (cited by Dunham Lab, University of Washington); PubMed 15727905 (cited by Dunham Lab, University of Washington); PubMed 8447319 (cited by Dunham Lab, University of Washington); PubMed 22452742 (cited by Dunham Lab, University of Washington); PubMed 25541721 (cited by Dunham Lab, University of Washington); PubMed 2253938 (cited by Dunham Lab, University of Washington); PubMed 7390473 (cited by Dunham Lab, University of Washington); PubMed 24134566 (cited by Dunham Lab, University of Washington); PubMed 18568599 (cited by Dunham Lab, University of Washington); PubMed 23006493 (cited by Dunham Lab, University of Washington); PubMed 31863082 (cited by Dunham Lab, University of Washington); PubMed 18046504 (cited by Dunham Lab, University of Washington); PubMed 21507207 (cited by Dunham Lab, University of Washington); PubMed 5673160 (cited by Dunham Lab, University of Washington); PubMed 6698555 (cited by Dunham Lab, University of Washington and OMIM); PubMed 12064920 (cited by Dunham Lab, University of Washington); PubMed 34966093 (cited by Dunham Lab, University of Washington); PubMed 9250351 (cited by Dunham Lab, University of Washington); PubMed 2393028 (cited by Dunham Lab, University of Washington); PubMed 22552160 (cited by Dunham Lab, University of Washington); PubMed 18226470 (cited by Dunham Lab, University of Washington); PubMed 16143877 (cited by Dunham Lab, University of Washington); PubMed 22906837 (cited by Dunham Lab, University of Washington); PubMed 7959686 (cited by Dunham Lab, University of Washington); PubMed 22770933 (cited by Dunham Lab, University of Washington); PubMed 27519946 (cited by Dunham Lab, University of Washington); PubMed 32425388 (cited by Dunham Lab, University of Washington); PubMed 9233561 (cited by Dunham Lab, University of Washington); PubMed 7577654 (cited by Dunham Lab, University of Washington); PubMed 5369703 (cited by Dunham Lab, University of Washington and OMIM); PubMed 2321910 (cited by Dunham Lab, University of Washington); PubMed 7590755 (cited by Dunham Lab, University of Washington); PubMed 35840819 (cited by Dunham Lab, University of Washington); PubMed 32860008 (cited by CENTOGENE GmbH and LLC - Guiding Precision Medicine); PubMed 14278484 (cited by OMIM); PubMed 5305539 (cited by OMIM); PubMed 7203486 (cited by OMIM); PubMed 2503817 (cited by OMIM); PubMed 4974311 (cited by OMIM); PubMed 1972698 (cited by OMIM); PubMed 1551674 (cited by OMIM); PubMed 11445808 (cited by OMIM); PubMed 15502081 (cited by Counsyl).